The following is an entry in ClinVar:

NM_020458.4(TTC7A):c.1414G>C (p.Ala472Pro)

Gene: TTC7A (tetratricopeptide repeat domain 7A; plus strand). Cytogenetic location: 2p21.
Variant type: single nucleotide variant.
Coding change: c.1414G>C on transcript NM_020458.4 (MANE Select); coding-DNA position 1414, G replaced by C.
Protein change: p.Ala472Pro; replaces alanine 472 with proline.
Molecular consequence: missense variant.
Genome position (GRCh38, 1-based): chr2:47,021,883, G>C. VCF-style: chr2-47021883-G-C. GRCh37 (hg19) VCF-style: chr2-47249022-G-C.
Other names: c.1414G>C, p.Ala472Pro (NM_001288951.2); c.1312G>C, p.Ala438Pro (NM_001288953.2); c.352G>C, p.Ala118Pro (NM_001288955.2); short protein forms A472P, A438P, A118P.
Identifiers: ClinVar variation 1473543 (VCV001473543.8), dbSNP rs2104548111, ClinGen allele CA346715964.

ClinVar aggregate classification (germline): Uncertain significance (1 of 4 stars; one submission).

Conditions:
Multiple gastrointestinal atresias. Also called: FAMILIAL INTESTINAL POLYATRESIA SYNDROME; Multiple intestinal atresia. Identifiers: Orphanet 2300, MedGen C0220744, MONDO:0009465.

Allele frequency attached by ClinVar (database versions not stated): gnomAD exomes below 0.00001.
gnomAD v4.1: 1 of 1,614,168 alleles (0.000062%); highest among the groups gnomAD compares: East Asian, 0.0022%; no homozygotes.

Submission:

Labcorp Genetics (formerly Invitae), Labcorp
Classification: Uncertain significance for Multiple gastrointestinal atresias. Last evaluated: 2021-06-06. Review status: criteria provided, single submitter. Criteria: Invitae Variant Classification Sherloc (09022015). Collection method: clinical testing. Allele origin: germline.
Comment: This sequence change replaces alanine with proline at codon 472 of the TTC7A protein (p.Ala472Pro). The alanine residue is highly conserved and there is a small physicochemical difference between alanine and proline. This variant is not present in population databases (ExAC no frequency). This variant has not been reported in the literature in individuals with TTC7A-related conditions. Algorithms developed to predict the effect of missense changes on protein structure and function are either unavailable or do not agree on the potential impact of this missense change (SIFT: "Deleterious"; PolyPhen-2: "Probably Damaging"; Align-GVGD: "Class C0"). In summary, the available evidence is currently insufficient to determine the role of this variant in disease. Therefore, it has been classified as a Variant of Uncertain Significance.